The following is an entry in ClinVar:

ClinVar aggregate classification (germline): Pathogenic (1 of 4 stars; one submission).

Submission:

Labcorp Genetics (formerly Invitae), Labcorp
Classification: Pathogenic. Last evaluated: 2026-01-18. Review status: criteria provided, single submitter. Criteria: Invitae Variant Classification Sherloc (09022015). Collection method: clinical testing. Allele origin: germline.
Comment: This sequence change creates a premature translational stop signal (p.Glu1022Glyfs*6) in the ABCB4 gene. It is expected to result in an absent or disrupted protein product. Loss-of-function variants in ABCB4 are known to be pathogenic (PMID: 17726488, 25755532). This variant is not present in population databases (gnomAD no frequency). This variant has not been reported in the literature in individuals affected with ABCB4-related conditions. For these reasons, this variant has been classified as Pathogenic.

Literature cited by the submitters: PubMed 17726488; PubMed 25755532.

NM_000443.4(ABCB4):c.3065_3066del (p.Glu1022fs)

Gene: ABCB4 (ATP binding cassette subfamily B member 4; minus strand). Cytogenetic location: 7q21.12.
Variant type: Deletion.
Coding change: c.3065_3066del on transcript NM_000443.4 (MANE Select); coding-DNA positions 3065 to 3066, 2 bases deleted (AA; older notation c.3065_3066delAA).
Protein change: p.Glu1022fs; shifts the reading frame from glutamic acid 1022.
Molecular consequence: frameshift variant.
Genome position (GRCh38, 1-based): chr7:87,409,251-87,409,252, TT deleted on the plus strand (AA on the coding strand, the reverse complement: ABCB4 is on the minus strand). VCF-style (leftmost placement, unchanged base first): chr7-87409250-CTT-C. GRCh37 (hg19) VCF-style: chr7-87038566-CTT-C.
Other names: c.3065_3066del, p.Glu1022fs (NM_018849.3); c.2924_2925del, p.Glu975fs (NM_018850.3); short protein forms E975fs, E1022fs.
Identifiers: ClinVar variation 4735655 (VCV004735655.1).